The following is an entry in ClinVar:

ClinVar aggregate classification (germline): Uncertain significance (1 of 4 stars; one submission).

gnomAD v4.1: 2 of 1,613,932 alleles (0.00012%); highest among the groups gnomAD compares: Non-Finnish European, 0.000085%; no homozygotes.

Submission:

Labcorp Genetics (formerly Invitae), Labcorp
Classification: Uncertain significance. Last evaluated: 2025-08-07. Review status: criteria provided, single submitter. Criteria: Invitae Variant Classification Sherloc (09022015). Collection method: clinical testing. Allele origin: germline.
Comment: This sequence change replaces serine, which is neutral and polar, with asparagine, which is neutral and polar, at codon 274 of the POLG2 protein (p.Ser274Asn). This variant is present in population databases (no rsID available, gnomAD 0.0009%). This variant has not been reported in the literature in individuals affected with POLG2-related conditions. An algorithm developed to predict the effect of missense changes on protein structure and function (PolyPhen-2) suggests that this variant is likely to be disruptive. In summary, the available evidence is currently insufficient to determine the role of this variant in disease. Therefore, it has been classified as a Variant of Uncertain Significance.

NM_007215.4(POLG2):c.821G>A (p.Ser274Asn)

Genes: MILR1 (mast cell immunoglobulin like receptor 1; plus strand), POLG2 (DNA polymerase gamma 2, accessory subunit; minus strand). Cytogenetic location: 17q23.3.
Variant type: single nucleotide variant.
Coding change: c.821G>A on transcript NM_007215.4 (MANE Select); coding-DNA position 821, G replaced by A.
Protein change: p.Ser274Asn; replaces serine 274 with asparagine.
Molecular consequence: missense variant.
Genome position (GRCh38, 1-based): chr17:64,490,944, C>T on the plus strand (G>A on the coding strand, the complement: POLG2 is on the minus strand). VCF-style: chr17-64490944-C-T. GRCh37 (hg19) VCF-style: chr17-62487061-C-T.
Other names: short protein forms S274N.
Identifiers: ClinVar variation 4760227 (VCV004760227.1).
Genomic context (GRCh38, chr17:64,490,944, plus strand): 5'-GGAAAATTGTAGTAAAGTTTGTTTCCTTTCCGGCCTTCTTCATCCTGACAGTCACTGCTG[C>T]TGAAGTTAGATGGACTCATGGCAAACTGGAAAAGAAAATTTAAGTTTGTCTTAACATATT-3'
Protein context (NP_009146.2, residues 264-284): RKFAMSPSNF[Ser274Asn]SSDCQDEEGR